The following is an entry in ClinVar:

ClinVar aggregate classification (germline): Conflicting classifications of pathogenicity. Review status: criteria provided, conflicting classifications (1 of 4 stars). 3 submissions from 3 submitters: Uncertain significance (2); Likely benign (1). Last evaluated 2024-12-18.

Submissions (3):

Labcorp Genetics (formerly Invitae), Labcorp
Classification: Uncertain significance. Last evaluated: 2024-12-18. Review status: criteria provided, single submitter. Criteria: Invitae Variant Classification Sherloc (09022015). Collection method: clinical testing. Allele origin: germline.
Comment: This sequence change falls in intron 4 of the CDH23 gene. It does not directly change the encoded amino acid sequence of the CDH23 protein. It affects a nucleotide within the consensus splice site. This variant is not present in population databases (gnomAD no frequency). This variant has not been reported in the literature in individuals affected with CDH23-related conditions. ClinVar contains an entry for this variant (Variation ID: 1983810). Variants that disrupt the consensus splice site are a relatively common cause of aberrant splicing (PMID: 17576681, 9536098). Algorithms developed to predict the effect of sequence changes on RNA splicing suggest that this variant is not likely to affect RNA splicing. In summary, the available evidence is currently insufficient to determine the role of this variant in disease. Therefore, it has been classified as a Variant of Uncertain Significance.

Women's Health and Genetics/Laboratory Corporation of America, LabCorp
Classification: Uncertain significance. Last evaluated: 2024-07-28. Review status: criteria provided, single submitter. Criteria: LabCorp Variant Classification Summary - May 2015. Collection method: clinical testing. Allele origin: germline.

Blueprint Genetics
Classification: Likely benign. Last evaluated: 2024-03-07. Review status: criteria provided, single submitter. Criteria: ACMG Guidelines, 2015. Collection method: clinical testing. Allele origin: germline.

Literature cited by the submitters: PubMed 17576681 (cited by Labcorp Genetics (formerly Invitae), Labcorp); PubMed 9536098 (cited by Labcorp Genetics (formerly Invitae), Labcorp).

NM_022124.6(CDH23):c.288+4T>A

Genes: CDH23 (cadherin related 23; plus strand), CDH23-AS1 (CDH23 antisense RNA 1; minus strand). Cytogenetic location: 10q22.1.
Variant type: single nucleotide variant.
Coding change: c.288+4T>A on transcript NM_022124.6 (MANE Select); 4 bases into the intron after coding-DNA position 288, T replaced by A.
Molecular consequence: intron variant.
Genome position (GRCh38, 1-based): chr10:71,510,228, T>A. VCF-style: chr10-71510228-T-A. GRCh37 (hg19) VCF-style: chr10-73269985-T-A.
Other names: c.288+4T>A (NM_001171930.2, NM_001171931.2, NM_052836.4 and 1 more transcripts).
Identifiers: ClinVar variation 1983810 (VCV001983810.4), dbSNP rs370108708, ClinGen allele CA2580081802.